The following is an entry in ClinVar:

ClinVar aggregate classification (germline): Uncertain significance (1 of 4 stars; one submission).

Conditions:
Epidermolysis bullosa simplex with nail dystrophy (EBS5D). Identifiers: MedGen C4225309, MONDO:0014661, OMIM 616487.
Autosomal recessive limb-girdle muscular dystrophy type 2Q (LGMDR17). Also called: MUSCULAR DYSTROPHY, LIMB-GIRDLE, AUTOSOMAL RECESSIVE 17. Identifiers: Orphanet 254361, MedGen C3150989, MONDO:0013390, OMIM 613723.
Epidermolysis bullosa simplex 5B, with muscular dystrophy (EBS5B). Also called: Epidermolysis bullosa simplex with muscular dystrophy; EPIDERMOLYSIS BULLOSA SIMPLEX AND LIMB-GIRDLE MUSCULAR DYSTROPHY. Identifiers: Orphanet 257, MedGen C2931072, MONDO:0009181, OMIM 226670.
Epidermolysis bullosa simplex 5C, with pyloric atresia (EBS5C). Also called: PLEC-Related Epidermolysis Bullosa with Pyloric Atresia; Epidermolysis bullosa simplex with pyloric atresia; PLEC1-Related Epidermolysis Bullosa with Pyloric Atresia. Identifiers: Orphanet 158684, MedGen C2677349, MONDO:0012807, OMIM 612138.
Epidermolysis bullosa simplex, Ogna type (EBS5A). Also called: Pidermolysis bullosa simplex 5A, Ogna type; EPIDERMOLYSIS BULLOSA SIMPLEX 5A, OGNA TYPE. Identifiers: Orphanet 79401, MedGen C0432317, MONDO:0007555, OMIM 131950.

gnomAD v4.1: 1 of 1,611,566 alleles (0.000062%); highest among the groups gnomAD compares: Non-Finnish European, 0.000085%; no homozygotes.

Submission:

Labcorp Genetics (formerly Invitae), Labcorp
Classification: Uncertain significance for Autosomal recessive limb-girdle muscular dystrophy type 2Q; Epidermolysis bullosa simplex, Ogna type; Epidermolysis bullosa simplex with nail dystrophy; Epidermolysis bullosa simplex 5C, with pyloric atresia; Epidermolysis bullosa simplex 5B, with muscular dystrophy. Last evaluated: 2024-07-17. Review status: criteria provided, single submitter. Criteria: Invitae Variant Classification Sherloc (09022015). Collection method: clinical testing. Allele origin: germline.
Comment: This sequence change replaces arginine, which is basic and polar, with glycine, which is neutral and non-polar, at codon 117 of the PLEC protein (p.Arg117Gly). This variant is not present in population databases (gnomAD no frequency). This variant has not been reported in the literature in individuals affected with PLEC-related conditions. Experimental studies and prediction algorithms are not available or were not evaluated, and the functional significance of this variant is currently unknown. In summary, the available evidence is currently insufficient to determine the role of this variant in disease. Therefore, it has been classified as a Variant of Uncertain Significance.

NM_201384.3(PLEC):c.268C>G (p.Arg90Gly)

Gene: PLEC (plectin; minus strand). Cytogenetic location: 8q24.3.
Variant type: single nucleotide variant.
Coding change: c.268C>G on transcript NM_201384.3 (MANE Select); coding-DNA position 268, C replaced by G.
Protein change: p.Arg90Gly; replaces arginine 90 with glycine.
Molecular consequence: missense variant.
Genome position (GRCh38, 1-based): chr8:143,937,239, G>C on the plus strand (C>G on the coding strand, the complement: PLEC is on the minus strand). VCF-style: chr8-143937239-G-C. GRCh37 (hg19) VCF-style: chr8-145011407-G-C.
Other names: c.349C>G, p.Arg117Gly (NM_000445.5, NM_001410941.1); c.226C>G, p.Arg76Gly (NM_201378.4); c.202C>G, p.Arg68Gly (NM_201379.3); c.679C>G, p.Arg227Gly (NM_201380.4); c.172C>G, p.Arg58Gly (NM_201381.3); c.268C>G, p.Arg90Gly (NM_201382.4); c.280C>G, p.Arg94Gly (NM_201383.3); short protein forms R117G, R227G, R58G, R68G, R76G, R90G, R94G.
Identifiers: ClinVar variation 3750390 (VCV003750390.2).